The following is an entry in ClinVar:

NM_006939.4(SOS2):c.718A>G (p.Ile240Val)

Gene: SOS2 (SOS Ras/Rho guanine nucleotide exchange factor 2; minus strand). Cytogenetic location: 14q21.3.
Variant type: single nucleotide variant.
Coding change: c.718A>G on transcript NM_006939.4 (MANE Select); coding-DNA position 718, A replaced by G.
Protein change: p.Ile240Val; replaces isoleucine 240 with valine.
Molecular consequence: missense variant.
Genome position (GRCh38, 1-based): chr14:50,182,603, T>C on the plus strand (A>G on the coding strand, the complement: SOS2 is on the minus strand). VCF-style: chr14-50182603-T-C. GRCh37 (hg19) VCF-style: chr14-50649321-T-C.
Other names: short protein forms I240V.
Identifiers: ClinVar variation 1430782 (VCV001430782.6), dbSNP rs1885779266, ClinGen allele CA389647909.

ClinVar aggregate classification (germline): Uncertain significance (1 of 4 stars; one submission).

Conditions:
Noonan syndrome 9 (NS9). Identifiers: Orphanet 648, MedGen C4225282, MONDO:0014691, OMIM 616559.

Submission:

Labcorp Genetics (formerly Invitae), Labcorp
Classification: Uncertain significance for Noonan syndrome 9. Last evaluated: 2021-08-05. Review status: criteria provided, single submitter. Criteria: Invitae Variant Classification Sherloc (09022015). Collection method: clinical testing. Allele origin: germline.
Comment: This sequence change replaces isoleucine with valine at codon 240 of the SOS2 protein (p.Ile240Val). The isoleucine residue is moderately conserved and there is a small physicochemical difference between isoleucine and valine. In summary, the available evidence is currently insufficient to determine the role of this variant in disease. Therefore, it has been classified as a Variant of Uncertain Significance. Advanced modeling of protein sequence and biophysical properties (such as structural, functional, and spatial information, amino acid conservation, physicochemical variation, residue mobility, and thermodynamic stability) performed at Invitae indicates that this missense variant is not expected to disrupt SOS2 protein function. This variant has not been reported in the literature in individuals affected with SOS2-related conditions. This variant is not present in population databases (ExAC no frequency).